The following is an entry in ClinVar:

NM_000533.5(PLP1):c.454-1G>T

Genes: PLP1 (proteolipid protein 1; plus strand), RAB9B (RAB9B, member RAS oncogene family; minus strand). Cytogenetic location: Xq22.2.
Variant type: single nucleotide variant.
Coding change: c.454-1G>T on transcript NM_000533.5 (MANE Select); the canonical splice acceptor site of the intron before coding-DNA position 454, G replaced by T.
Molecular consequence: splice acceptor variant.
Genome position (GRCh38, 1-based): chrX:103,787,797, G>T. VCF-style: chrX-103787797-G-T. GRCh37 (hg19) VCF-style: chrX-103042726-G-T.
Other names: NC_000023.10:g.103042726G>T; c.454-1G>T (NM_001128834.3); c.349-1G>T (NM_199478.3); c.289-1G>T (NM_001305004.1).
Identifiers: ClinVar variation 3255431 (VCV003255431.3), dbSNP rs2522313994.

ClinVar aggregate classification (germline): Pathogenic (1 of 4 stars; one submission).

Conditions:
Pelizaeus-Merzbacher disease. Also called: LEUKODYSTROPHY, HYPOMYELINATING, 1; Sudanophilic leukodystrophy; Pelizaeus-Merzbacher spectrum disorder; Pelizaeus-Merzbacher Disease (PMD); Pelizeaus-Merzbacher spectrum disorder. Identifiers: Orphanet 702, MedGen C0205711, MONDO:0010714, OMIM 312080, HP:0003269.

Submissions (2):

Molecular Diagnostics Lab, Nemours Children's Health, Delaware
Classification: Pathogenic for Pelizaeus-Merzbacher disease. Last evaluated: 2021-12-10. Review status: criteria provided, single submitter. Criteria: ACMG Guidelines, 2015. Collection method: clinical testing. Allele origin: maternal, unknown. Inheritance: X-linked inheritance. Affected: yes and no. Observed: 2 heterozygotes, 1 hemizygote.
Comment: This intronic variant (c.454-1G>T) has not been observed in population databases (gnomAD). It has been described in the literature (PMID 7531827), but no functional studies have been published

Dr. Peter K. Rogan Lab, Western University
No classification provided (evidence only). Condition: Thyroid cancer, nonmedullary, 1. Review status: no classification provided. Collection method: in vitro. Allele origin: not applicable. Functional consequence: retained intron. Not counted in ClinVar's aggregate classification.

Literature cited by the submitters: PubMed 7531827 (cited by Molecular Diagnostics Lab, Nemours Children's Health, Delaware).